The following is an entry in ClinVar:

ClinVar aggregate classification (germline): Uncertain significance (1 of 4 stars; one submission).

gnomAD v4.1: 12 of 1,475,320 alleles (0.00081%); highest among the groups gnomAD compares: African/African-American, 0.0072%; no homozygotes.

Submission:

GeneDx
Classification: Uncertain significance. Last evaluated: 2024-03-18. Review status: criteria provided, single submitter. Criteria: GeneDx Variant Classification Process June 2021. Collection method: clinical testing. Allele origin: germline. Affected: yes.
Comment: Not observed at significant frequency in large population cohorts (gnomAD); In silico analysis supports that this missense variant does not alter protein structure/function; Has not been previously published as pathogenic or benign to our knowledge

NM_001145026.2(PTPRQ):c.22C>G (p.Leu8Val)

Gene: PTPRQ (protein tyrosine phosphatase receptor type Q; plus strand). Cytogenetic location: 12q21.31.
Variant type: single nucleotide variant.
Coding change: c.22C>G on transcript NM_001145026.2 (MANE Select); coding-DNA position 22, C replaced by G.
Protein change: p.Leu8Val; replaces leucine 8 with valine.
Molecular consequence: missense variant.
Genome position (GRCh38, 1-based): chr12:80,444,367, C>G. VCF-style: chr12-80444367-C-G. GRCh37 (hg19) VCF-style: chr12-80838147-C-G.
Other names: short protein forms L8V.
Identifiers: ClinVar variation 3371009 (VCV003371009.1).
Genomic context (GRCh38, chr12:80,444,367, plus strand): 5'-CCATCAATGTGATTCTACTGGCTGAAAAATGTAATAAAGATGGATTTTCTTATCATTTTT[C>G]TTTTACTTTTTATTGGGACTTCAGAGACACAGGTATTTCGTATACACTCTTTAAAAACAA-3'
Protein context (NP_001138498.1, residues 1-18): MDFLIIF[Leu8Val]LLFIGTSETQ